The following is an entry in ClinVar:

ClinVar aggregate classification (germline): Uncertain significance (1 of 4 stars; one submission).

Conditions:
Arrhythmogenic right ventricular dysplasia 13. Also called: ARRHYTHMOGENIC RIGHT VENTRICULAR CARDIOMYOPATHY 13; Arrhythmogenic right ventricular dysplasia, familial, 13. Identifiers: MedGen C3810138, MONDO:0000908, OMIM 615616.

gnomAD v4.1: 1 of 1,613,990 alleles (0.000062%); no homozygotes.

Submission:

Labcorp Genetics (formerly Invitae), Labcorp
Classification: Uncertain significance for Arrhythmogenic right ventricular dysplasia 13. Last evaluated: 2022-10-25. Review status: criteria provided, single submitter. Criteria: Invitae Variant Classification Sherloc (09022015). Collection method: clinical testing. Allele origin: germline.
Comment: This sequence change replaces glutamine, which is neutral and polar, with lysine, which is basic and polar, at codon 884 of the CTNNA3 protein (p.Gln884Lys). This variant is present in population databases (no rsID available, gnomAD 0.004%). This variant has not been reported in the literature in individuals affected with CTNNA3-related conditions. Advanced modeling of protein sequence and biophysical properties (such as structural, functional, and spatial information, amino acid conservation, physicochemical variation, residue mobility, and thermodynamic stability) performed at Invitae indicates that this missense variant is not expected to disrupt CTNNA3 protein function. In summary, the available evidence is currently insufficient to determine the role of this variant in disease. Therefore, it has been classified as a Variant of Uncertain Significance.

NM_013266.4(CTNNA3):c.2650C>A (p.Gln884Lys)

Gene: CTNNA3 (catenin alpha 3; minus strand). Cytogenetic location: 10q21.3.
Variant type: single nucleotide variant.
Coding change: c.2650C>A on transcript NM_013266.4 (MANE Select); coding-DNA position 2650, C replaced by A.
Protein change: p.Gln884Lys; replaces glutamine 884 with lysine.
Molecular consequence: missense variant.
Genome position (GRCh38, 1-based): chr10:65,920,368, G>T on the plus strand (C>A on the coding strand, the complement: CTNNA3 is on the minus strand). VCF-style: chr10-65920368-G-T. GRCh37 (hg19) VCF-style: chr10-67680126-G-T.
Other names: c.2650C>A, p.Gln884Lys (NM_001127384.3); short protein forms Q884K.
Identifiers: ClinVar variation 1965860 (VCV001965860.5), dbSNP rs1286343345, ClinGen allele CA377088661.
Genomic context (GRCh38, chr10:65,920,368, plus strand): 5'-CACTATATGTAGAATAGTGGTTTCAGTAGATTTGTCTTCCTCTAAATTCACTCATGACTT[G>T]CAATGGATGGATTTTTTTCTTTGCTGAGCCTCGTCTGACAGCTGCACACGTTTCCTCTGG-3'
Protein context (NP_037398.2, residues 874-894): GSAKKKIHPL[Gln884Lys]VMSEFRGRQI